The following is an entry in ClinVar:

ClinVar aggregate classification (germline): Likely pathogenic (1 of 4 stars; one submission).

Conditions:
SCNN1G-related disorder. Also called: SCNN1G-related condition; SCNN1G-Related Disorders.

Submission:

Women's Health and Genetics/Laboratory Corporation of America, LabCorp
Classification: Likely pathogenic for SCNN1G-Related Disorders. Last evaluated: 2026-06-02. Review status: criteria provided, single submitter. Criteria: LabCorp Variant Classification Summary - May 2015. Collection method: clinical testing. Allele origin: germline.
Comment: Variant summary: SCNN1G c.1729C>T (p.Gln577X) results in a premature termination codon, predicted to cause a truncation of the encoded protein. The variant was absent in 251340 control chromosomes. c.1729C>T has been observed in individual(s) affected with SCNN1G-related conditions (Yang_2022). These data indicate that the variant may be associated with disease. To our knowledge, no experimental evidence demonstrating an impact on protein function has been reported. The c-terminus of SCNN1G contains a conserved PPPxY motif (PY motif) critical for the internalization and degradation of ENaC. Variants disrupting the PY motif of - and ENaC were identified in the first genetically characterized Liddle syndrome families, establishing uncoupling of the normal feedback inhibition of ENaC as the primary pathophysiologic mechanism (Granhoj_2024). The following publications have been ascertained in the context of this evaluation (PMID: 35723567, 38265765). No submitters have cited clinical-significance assessments for this variant to ClinVar. Based on the evidence outlined above, the variant was classified as likely pathogenic.

Literature cited by the submitters: PubMed 38265765; PubMed 35723567.

NM_001039.4(SCNN1G):c.1729C>T (p.Gln577Ter)

Gene: SCNN1G (sodium channel epithelial 1 subunit gamma; plus strand). Cytogenetic location: 16p12.2.
Variant type: single nucleotide variant.
Coding change: c.1729C>T on transcript NM_001039.4 (MANE Select); coding-DNA position 1729, C replaced by T.
Protein change: p.Gln577Ter; replaces glutamine 577 with a stop codon.
Molecular consequence: nonsense.
Genome position (GRCh38, 1-based): chr16:23,215,248, C>T. VCF-style: chr16-23215248-C-T. GRCh37 (hg19) VCF-style: chr16-23226569-C-T.
Other names: short protein forms Q577*.
Identifiers: ClinVar variation 4887582 (VCV004887582.1).